The following is an entry in ClinVar:

NM_058246.4(DNAJB6):c.*699T>C

Gene: DNAJB6 (DnaJ heat shock protein family (Hsp40) member B6; plus strand). Cytogenetic location: 7q36.3.
Variant type: single nucleotide variant.
Coding change: c.*699T>C on transcript NM_058246.4 (MANE Select); 699 bases downstream of the stop codon, T replaced by C.
Molecular consequence: 3 prime UTR variant.
Genome position (GRCh38, 1-based): chr7:157,416,797, T>C. VCF-style: chr7-157416797-T-C. GRCh37 (hg19) VCF-style: chr7-157209491-T-C.
Other names: c.*699T>C (NM_001363676.1).
Identifiers: ClinVar variation 359472 (VCV000359472.7), dbSNP rs4716719, ClinGen allele CA10623559.

ClinVar aggregate classification (germline): Benign. Review status: criteria provided, multiple submitters, no conflicts (2 of 4 stars). 2 submissions from 2 submitters: Benign (2). Last evaluated 2018-01-13.

Conditions:
Autosomal dominant limb-girdle muscular dystrophy type 1D (DNAJB6) (LGMDD1). Also called: MUSCULAR DYSTROPHY, LIMB-GIRDLE, TYPE 1D; MUSCULAR DYSTROPHY, AUTOSOMAL DOMINANT, WITH RIMMED VACUOLES; Autosomal dominant limb-girdle muscular dystrophy type 1D; Muscular dystrophy, limb-girdle, autosomal dominant 1. Identifiers: Orphanet 34516, MedGen C4721885, MONDO:0021018, OMIM 603511.

Allele frequency attached by ClinVar (database versions not stated): 1000 Genomes Project 0.98163; 1000 Genomes Project 30x 0.98282; TOPMed 0.98655; gnomAD 0.98661 and 0.98753.

Submissions (2):

Illumina Laboratory Services, Illumina
Classification: Benign for Autosomal dominant limb-girdle muscular dystrophy type 1D (DNAJB6). Last evaluated: 2018-01-13. Review status: criteria provided, single submitter. Criteria: ICSL Variant Classification Criteria 13 December 2019. Collection method: clinical testing. Allele origin: germline.
Comment: This variant was observed in the ICSL laboratory as part of a predisposition screen in an ostensibly healthy population. It had not been previously curated by ICSL or reported in the Human Gene Mutation Database (HGMD: prior to June 1st, 2018), and was therefore a candidate for classification through an automated scoring system. Utilizing variant allele frequency, disease prevalence and penetrance estimates, and inheritance mode, an automated score was calculated to assess if this variant is too frequent to cause the disease. Based on the score and internal cut-off values, a variant classified as benign is not then subjected to further curation. The score for this variant resulted in a classification of benign for this disease.

Breakthrough Genomics
Classification: Benign. Review status: criteria provided, single submitter. Criteria: ACMG Guidelines, 2015. Collection method: not provided. Allele origin: germline. Inheritance: Autosomal dominant inheritance. Affected: yes.